The following is an entry in ClinVar:

NM_001715.3(BLK):c.84C>A (p.Val28=)

Gene: BLK (BLK proto-oncogene, Src family tyrosine kinase). Cytogenetic location: 8p23.1.
Variant type: single nucleotide variant.
Coding change: c.84C>A on transcript NM_001715.3 (MANE Select); coding-DNA position 84, C replaced by A.
Protein change: p.Val28=; no amino-acid change (valine 28 retained).
Molecular consequence: synonymous variant. On other transcripts: intron variant (1).
Genome position (GRCh38, 1-based): chr8:11,543,308, C>A. VCF-style: chr8-11543308-C-A. GRCh37 (hg19) VCF-style: chr8-11400817-C-A.
Other names: c.-90-2744C>A (NM_001330465.2).
Identifiers: ClinVar variation 1029524 (VCV001029524.2), dbSNP rs1585387563, ClinGen allele CA459308250.

ClinVar aggregate classification (germline): Uncertain significance. Review status: criteria provided, multiple submitters, no conflicts (2 of 4 stars). 2 submissions from 2 submitters: Uncertain significance (2). Last evaluated 2025-07-18.

Conditions:
BLK-related disorder. Also called: BLK-related condition.
Maturity-onset diabetes of the young type 11. Identifiers: Orphanet 552, MedGen C3150618, MONDO:0013242, OMIM 613375.

Submissions (2):

PreventionGenetics, part of Exact Sciences
Classification: Uncertain significance for BLK-related condition. Last evaluated: 2025-07-18. Review status: criteria provided, single submitter. Criteria: ACMG Guidelines, 2015. Collection method: clinical testing. Allele origin: germline.
Comment: The BLK c.84C>A variant is not predicted to result in an amino acid change (p.=). This variant is predicted to impact splicing based on a predictive computational program; however, the impact of this variant has not been functionally validated (SpliceAI, Jaganathan et al. 2019. PubMed ID: 30661751). To our knowledge, this variant has not been reported in the literature or in a large population database (gnomAD), indicating this variant is rare. At this time, the clinical significance of this variant is uncertain due to the absence of conclusive functional and genetic evidence.

Baylor Genetics
Classification: Uncertain significance for Maturity-onset diabetes of the young type 11. Last evaluated: 2020-07-08. Review status: criteria provided, single submitter. Criteria: ACMG Guidelines, 2015. Collection method: clinical testing. Allele origin: unknown. Affected: yes.
Comment: This variant was determined to be of uncertain significance according to ACMG Guidelines, 2015 [PMID:25741868].